The following is an entry in ClinVar:

NM_133642.5(LARGE1):c.492-6C>G

Gene: LARGE1 (LARGE xylosyl- and glucuronyltransferase 1; minus strand). Cytogenetic location: 22q12.3.
Variant type: single nucleotide variant.
Coding change: c.492-6C>G on transcript NM_133642.5 (MANE Select); 6 bases into the intron before coding-DNA position 492, C replaced by G.
Molecular consequence: intron variant.
Genome position (GRCh38, 1-based): chr22:33,604,564, G>C on the plus strand (C>G on the coding strand, the complement: LARGE1 is on the minus strand). VCF-style: chr22-33604564-G-C. GRCh37 (hg19) VCF-style: chr22-34000550-G-C.
Other names: c.492-6C>G (NM_001362953.2, NM_001362949.2, NM_001378627.1 and 7 more transcripts).
Identifiers: ClinVar variation 900444 (VCV000900444.10), dbSNP rs762612242, ClinGen allele CA10203016.

ClinVar aggregate classification (germline): Conflicting classifications of pathogenicity. Review status: criteria provided, conflicting classifications (1 of 4 stars). 4 submissions from 3 submitters: Uncertain significance (3); Likely benign (1). Last evaluated 2026-02-01.

Conditions:
Inborn genetic diseases. Identifiers: MedGen C0950123, MeSH D030342.
Muscular dystrophy-dystroglycanopathy (congenital with brain and eye anomalies), type A6. Also called: WALKER-WARBURG SYNDROME OR MUSCLE-EYE-BRAIN DISEASE, LARGE-RELATED; MUSCULAR DYSTROPHY-DYSTROGLYCANOPATHY (CONGENITAL WITH BRAIN AND EYE ANOMALIES), TYPE A, 6. Identifiers: Orphanet 588, Orphanet 899, MedGen C3150414, MONDO:0013158, OMIM 613154.
Muscular dystrophy-dystroglycanopathy type B6 (MDDGB6). Also called: MUSCULAR DYSTROPHY, CONGENITAL, LARGE-RELATED; MUSCULAR DYSTROPHY, CONGENITAL, TYPE 1D; MUSCULAR DYSTROPHY-DYSTROGLYCANOPATHY (CONGENITAL WITH IMPAIRED INTELLECTUAL DEVELOPMENT), TYPE B, 6. Identifiers: MedGen C1837229, MONDO:0012138, OMIM 608840.

Allele frequency attached by ClinVar (database versions not stated): gnomAD 0.00001; TOPMed 0.00001; ExAC 0.00003.
gnomAD v4.1: 33 of 1,613,926 alleles (0.002%); highest among the groups gnomAD compares: Middle Eastern, 0.016%; no homozygotes.

Submissions (4):

Labcorp Genetics (formerly Invitae), Labcorp
Classification: Likely benign for Muscular dystrophy-dystroglycanopathy type B6. Last evaluated: 2026-02-01. Review status: criteria provided, single submitter. Criteria: Invitae Variant Classification Sherloc (09022015). Collection method: clinical testing. Allele origin: germline.

Ambry Genetics
Classification: Uncertain significance for Inborn genetic diseases. Last evaluated: 2022-06-21. Review status: criteria provided, single submitter. Criteria: Ambry Variant Classification Scheme 2023. Collection method: clinical testing. Allele origin: germline.
Comment: The c.492-6C>G intronic alteration consists of a C to G substitution 6 nucleotides before coding exon 4 in the LARGE1 gene. Based on insufficient or conflicting evidence, the clinical significance of this alteration remains unclear.

Illumina Laboratory Services, Illumina
Classification: Uncertain significance for Muscular dystrophy-dystroglycanopathy (congenital with brain and eye anomalies), type A6. Last evaluated: 2018-01-13. Review status: criteria provided, single submitter. Criteria: ICSL Variant Classification Criteria 13 December 2019. Collection method: clinical testing. Allele origin: germline.

Illumina Laboratory Services, Illumina
Classification: Uncertain significance for Muscular dystrophy-dystroglycanopathy type B6. Last evaluated: 2018-01-13. Review status: criteria provided, single submitter. Criteria: ICSL Variant Classification Criteria 13 December 2019. Collection method: clinical testing. Allele origin: germline.